The following is an entry in ClinVar:

NM_000180.4(GUCY2D):c.941dup (p.His314fs)

Gene: GUCY2D (guanylate cyclase 2D, retinal; plus strand). Cytogenetic location: 17p13.1.
Variant type: Duplication.
Coding change: c.941dup on transcript NM_000180.4 (MANE Select); coding-DNA position 941, one base duplicated (A; older notation c.941dupA).
Protein change: p.His314fs; shifts the reading frame from histidine 314.
Molecular consequence: frameshift variant.
Genome position (GRCh38, 1-based): chr17:8,004,071, A duplicated. VCF-style (leftmost placement, unchanged base first): chr17-8004070-C-CA. GRCh37 (hg19) VCF-style: chr17-7907388-C-CA.
Other names: short protein forms H314fs.
Identifiers: ClinVar variation 2929398 (VCV002929398.3), dbSNP rs1195374954, ClinGen allele CA775506538.

ClinVar aggregate classification (germline): Pathogenic (1 of 4 stars; one submission).

Conditions:
Cone-rod dystrophy 6 (CORD6). Also called: Cone dystrophy progressive; RETINAL CONE DYSTROPHY 2. Identifiers: Orphanet 1872, MedGen C1866293, MONDO:0011143, OMIM 601777.
Leber congenital amaurosis 1 (LCA1). Also called: AMAUROSIS CONGENITA OF LEBER I; Congenital absence of the rods and cones; Leber's congenital tapetoretinal degeneration; Leber's congenital tapetoretinal dysplasia; RETINAL BLINDNESS, CONGENITAL. Identifiers: Orphanet 65, MedGen C2931258, MONDO:0008764, OMIM 204000.

Allele frequency attached by ClinVar (database versions not stated): gnomAD exomes below 0.00001; TOPMed below 0.00001.

Submission:

Labcorp Genetics (formerly Invitae), Labcorp
Classification: Pathogenic for Leber congenital amaurosis 1; Cone-rod dystrophy 6. Last evaluated: 2023-10-13. Review status: criteria provided, single submitter. Criteria: Invitae Variant Classification Sherloc (09022015). Collection method: clinical testing. Allele origin: germline.
Comment: This sequence change creates a premature translational stop signal (p.His314Glnfs*5) in the GUCY2D gene. It is expected to result in an absent or disrupted protein product. Loss-of-function variants in GUCY2D are known to be pathogenic (PMID: 10951519, 11328726). This variant is not present in population databases (gnomAD no frequency). This variant has not been reported in the literature in individuals affected with GUCY2D-related conditions. For these reasons, this variant has been classified as Pathogenic.

Literature cited by the submitters: PubMed 10951519; PubMed 11328726.